The following is an entry in ClinVar:

NC_000011.10:g.47341000T>G

Gene: MYBPC3 (myosin binding protein C3; minus strand). Cytogenetic location: 11p11.2.
Variant type: single nucleotide variant.
Genome position: GRCh38 VCF-style: chr11-47341000-T-G. GRCh37 (hg19) VCF-style: chr11-47362551-T-G.
Other names: c.1927+3A>C (NM_000256.3, LRG_386t1).
Identifiers: ClinVar variation 180959 (VCV000180959.16), dbSNP rs730880559, ClinGen allele CA011506.
Genomic context (GRCh38, chr11:47,341,000, plus strand): 5'-GGCCTGCGTGGGTGGGTTGCGGGAAAGTGAGCAGAACCAAGACTCAGGGGCCCCAAGACT[T>G]ACCCTGCCTGGGTACGAAGTCAATCTTGACCTCTGCAAGAGAAGGAAGAGCAAGTAGCAC-3'

ClinVar aggregate classification (germline): Uncertain significance. Review status: criteria provided, multiple submitters, no conflicts (2 of 4 stars). 8 submissions from 8 submitters: Uncertain significance (7). 1 of the submissions does not count toward it. Last evaluated 2026-02-02.

Conditions:
MYBPC3-related disorder. Also called: MYBPC3-related disorders; MYBPC3-related condition; MYBPC3-related disease.
Cardiovascular phenotype. Identifiers: MedGen CN230736.
Cardiomyopathy (CMYO). Also called: Cardiomyopathies. Identifiers: Orphanet 167848, MedGen C0878544, MONDO:0004994, HP:0001638. Inheritance: Various modes of inheritance.
Hypertrophic cardiomyopathy 4. Also called: Familial hypertrophic cardiomyopathy 4. Identifiers: MedGen C1861862, MONDO:0007268, OMIM 115197.
Hypertrophic cardiomyopathy. Also called: HYPERTROPHIC MYOCARDIOPATHY. Identifiers: Orphanet 217569, MedGen C0007194, MeSH D002312, MONDO:0005045, HP:0001639.

Allele frequency attached by ClinVar (database versions not stated): gnomAD exomes 0.00001.
gnomAD v4.1: 17 of 1,564,046 alleles (0.0011%); highest among the groups gnomAD compares: Non-Finnish European, 0.0015%; no homozygotes.

Submissions (8):

PreventionGenetics, part of Exact Sciences
Classification: Uncertain significance for MYBPC3-related condition. Last evaluated: 2026-02-02. Review status: criteria provided, single submitter. Criteria: ACMG Guidelines, 2015. Collection method: clinical testing. Allele origin: germline.
Comment: The MYBPC3 c.1927+3A>C variant is predicted to interfere with splicing. To our knowledge, this variant has not been reported in the literature. This variant is reported in 0.0024% of alleles in individuals of European (Non-Finnish) descent in gnomAD. At this time, the clinical significance of this variant is uncertain due to the absence of conclusive functional and genetic evidence.

Ambry Genetics
Classification: Uncertain significance for Cardiovascular phenotype. Last evaluated: 2025-11-10. Review status: criteria provided, single submitter. Criteria: Ambry Variant Classification Scheme 2023. Collection method: clinical testing. Allele origin: germline.
Comment: The c.1927+3A>C intronic variant results from an A to C substitution 3 nucleotides after coding exon 20 in the MYBPC3 gene. This nucleotide position is poorly conserved in available vertebrate species. In silico splice site analysis predicts that this alteration will weaken the native splice donor site. Based on the available evidence, the clinical significance of this variant remains unclear.

Color Diagnostics, LLC DBA Color Health
Classification: Uncertain significance for Cardiomyopathy. Last evaluated: 2025-07-15. Review status: criteria provided, single submitter. Criteria: ACMG Guidelines, 2015. Collection method: clinical testing. Allele origin: germline.
Comment: This variant causes an A>C nucleotide substitution at the +3 position of intron 20 of the MYBPC3 gene. Splice site prediction tools are inconclusive regarding the impact of this variant on RNA splicing. To our knowledge, functional studies have not been reported for this variant. This variant has not been reported in individuals affected with MYBPC3-related disorders in the literature. This variant has been identified in 2/186266 chromosomes in the general population by the Genome Aggregation Database (gnomAD). The available evidence is insufficient to determine the role of this variant in disease conclusively. Therefore, this variant is classified as a Variant of Uncertain Significance.

Labcorp Genetics (formerly Invitae), Labcorp
Classification: Uncertain significance for Hypertrophic cardiomyopathy. Last evaluated: 2023-12-05. Review status: criteria provided, single submitter. Criteria: Invitae Variant Classification Sherloc (09022015). Collection method: clinical testing. Allele origin: germline.
Comment: This sequence change falls in intron 20 of the MYBPC3 gene. It does not directly change the encoded amino acid sequence of the MYBPC3 protein. It affects a nucleotide within the consensus splice site. The frequency data for this variant in the population databases is considered unreliable, as metrics indicate poor data quality at this position in the gnomAD database. This variant has not been reported in the literature in individuals affected with MYBPC3-related conditions. ClinVar contains an entry for this variant (Variation ID: 180959). Variants that disrupt the consensus splice site are a relatively common cause of aberrant splicing (PMID: 17576681, 9536098). Algorithms developed to predict the effect of sequence changes on RNA splicing suggest that this variant may disrupt the consensus splice site. In summary, the available evidence is currently insufficient to determine the role of this variant in disease. Therefore, it has been classified as a Variant of Uncertain Significance.

All of Us Research Program, National Institutes of Health
Classification: Uncertain significance for Hypertrophic cardiomyopathy. Last evaluated: 2023-11-30. Review status: criteria provided, single submitter. Criteria: ACMG Guidelines, 2015. Collection method: clinical testing. Allele origin: germline. Inheritance: Autosomal dominant inheritance. Observed: 6 variant alleles, 6 heterozygotes.
Comment: This variant causes an A>C nucleotide substitution at the +3 position of intron 20 of the MYBPC3 gene. Splice site prediction tools and conservation analysis are inconclusive regarding the impact of this variant on RNA splicing. To our knowledge, functional studies have not been reported for this variant. This variant has not been reported in individuals affected with MYBPC3-related disorders in the literature. This variant has been identified in 2/186266 chromosomes in the general population by the Genome Aggregation Database (gnomAD). The available evidence is insufficient to determine the role of this variant in disease conclusively. Therefore, this variant is classified as a Variant of Uncertain Significance.

This study involves interpretation of variants in research participants for the purpose of population health screening. Participant phenotype was not available at the time of variant classification. Additional details can be found in publication PMID: 35346344, PMCID: PMC8962531

Blueprint Genetics
Classification: Uncertain significance. Last evaluated: 2022-03-04. Review status: criteria provided, single submitter. Criteria: ACMG Guidelines, 2015. Collection method: clinical testing. Allele origin: germline.

GeneDx
Classification: Uncertain significance. Last evaluated: 2017-03-14. Review status: criteria provided, single submitter. Criteria: GeneDx Variant Classification (06012015). Collection method: clinical testing. Allele origin: germline. Affected: yes.
Comment: A variant of uncertain significance has been identified in the MYBPC3 gene. The c.1927+3 A>C variant has not been published as pathogenic or been reported as benign to our knowledge. This variant is not observed in large population cohorts (Lek et al., 2016; 1000 Genomes Consortium et al., 2015; Exome Variant Server). Although one splice prediction program predicts this variant destroys the natural splice donor site in intron 20 of the MYBPC3 gene and may lead to abnormal splicing, two other in silico splice prediction algorithms predict this variant causes only a mild reduction in the efficiency of this natural donor site. Additionally, while other non-canonical splice site variants in the MYBPC3 gene have been reported in HGMD in association with cardiomyopathy (Stenson et al., 2014), in the absence of functional mRNA studies, the physiological consequence of the c.1927+3 A>C variant cannot be precisely determined. Furthermore, adenine (A) at this nucleotide position is not conserved across species.

Clinical Genetics Laboratory, University Hospital Schleswig-Holstein
Classification: Uncertain significance for Hypertrophic cardiomyopathy 4. Last evaluated: 2024-07-10. Review status: no assertion criteria provided. Collection method: clinical testing. Allele origin: germline. Affected: yes. Not counted in ClinVar's aggregate classification.

Literature cited by the submitters: PubMed 17576681 (cited by Labcorp Genetics (formerly Invitae), Labcorp); PubMed 9536098 (cited by Labcorp Genetics (formerly Invitae), Labcorp).